The following is an entry in ClinVar:

ClinVar aggregate classification (germline): Likely pathogenic (1 of 4 stars; one submission).

Conditions:
Supravalvar aortic stenosis (SVAS). Also called: Supravalvar aortic stenosis, Eisenberg type. Identifiers: Orphanet 3193, MedGen C0003499, MONDO:0008504, OMIM 185500, HP:0004381.

Allele frequency attached by ClinVar (database versions not stated): gnomAD exomes below 0.00001; ExAC 0.00001.

Submissions (2):

Labcorp Genetics (formerly Invitae), Labcorp
Classification: Likely pathogenic for Supravalvar aortic stenosis. Last evaluated: 2019-02-04. Review status: criteria provided, single submitter. Criteria: Invitae Variant Classification Sherloc (09022015). Collection method: clinical testing. Allele origin: germline.
Comment: This variant has not been reported in the literature in individuals with ELN-related conditions. This variant is present in population databases (rs782674700, ExAC 0.001%). This sequence change affects a donor splice site in intron 24 of the ELN gene. It is expected to disrupt RNA splicing and likely results in an absent or disrupted protein product. In summary, the currently available evidence indicates that the variant is pathogenic, but additional data are needed to prove that conclusively. Therefore, this variant has been classified as Likely Pathogenic. Donor and acceptor splice site variants typically lead to a loss of protein function (PMID: 16199547), and loss-of-function variants in ELN are known to be pathogenic (PMID: 11175284). Algorithms developed to predict the effect of sequence changes on RNA splicing suggest that this variant may disrupt the consensus splice site, but this prediction has not been confirmed by published transcriptional studies.

Dr. Peter K. Rogan Lab, Western University
No classification provided (evidence only). Condition: Hepatocellular carcinoma. Review status: no classification provided. Collection method: in vitro. Allele origin: not applicable. Functional consequence: retained intron. Not counted in ClinVar's aggregate classification.

Literature cited by the submitters: PubMed 16199547 (cited by Labcorp Genetics (formerly Invitae), Labcorp); PubMed 11175284 (cited by Labcorp Genetics (formerly Invitae), Labcorp).

NM_000501.4(ELN):c.1576+1G>A

Genes: ELN-AS1 (ELN antisense RNA 1; minus strand), ELN (elastin; plus strand). Cytogenetic location: 7q11.23.
Variant type: single nucleotide variant.
Coding change: c.1576+1G>A on transcript NM_000501.4 (MANE Select); the canonical splice donor site of the intron after coding-DNA position 1576, G replaced by A.
Molecular consequence: splice donor variant.
Genome position (GRCh38, 1-based): chr7:74,060,048, G>A. VCF-style: chr7-74060048-G-A. GRCh37 (hg19) VCF-style: chr7-73474378-G-A.
Other names: c.1591+1G>A (NM_001081754.3); c.1534+1G>A (NM_001081753.3); c.1663+1G>A (NM_001278939.2); c.1594+1G>A (NM_001278915.2); c.1576+1G>A (NM_001278912.2); c.1519+1G>A (NM_001081755.3); c.1477+1G>A (NM_001278916.2); c.1333+1G>A (NM_001278913.2); and 4 more.
Identifiers: ClinVar variation 858672 (VCV000858672.9), dbSNP rs782674700, ClinGen allele CA4293100.